The following is an entry in ClinVar:

NM_003327.4(TNFRSF4):c.619G>A (p.Val207Met)

Gene: TNFRSF4 (TNF receptor superfamily member 4; minus strand). Cytogenetic location: 1p36.33.
Variant type: single nucleotide variant.
Coding change: c.619G>A on transcript NM_003327.4 (MANE Select); coding-DNA position 619, G replaced by A.
Protein change: p.Val207Met; replaces valine 207 with methionine.
Molecular consequence: missense variant.
Genome position (GRCh38, 1-based): chr1:1,211,957, C>T on the plus strand (G>A on the coding strand, the complement: TNFRSF4 is on the minus strand). VCF-style: chr1-1211957-C-T. GRCh37 (hg19) VCF-style: chr1-1147337-C-T.
Other names: c.619G>A, p.Val207Met (LRG_1319t1); short protein forms V207M.
Identifiers: ClinVar variation 474797 (VCV000474797.19), dbSNP rs201461846, ClinGen allele CA512405.

ClinVar aggregate classification (germline): Likely benign. Review status: criteria provided, multiple submitters, no conflicts (2 of 4 stars). 5 submissions from 5 submitters: Likely benign (3). 2 of the submissions do not count toward it. Last evaluated 2026-03-01.

Conditions:
Combined immunodeficiency due to OX40 deficiency. Also called: Immunodeficiency 16; OX40 DEFICIENCY. Identifiers: Orphanet 431149, MedGen C3810053, MONDO:0014268, OMIM 615593.

Allele frequency attached by ClinVar (database versions not stated): 1000 Genomes Project 30x 0.00016; 1000 Genomes Project 0.00020; gnomAD 0.00081 and 0.00085; gnomAD exomes 0.00085 and 0.00168; TOPMed 0.00090; ESP Exome Variant Server 0.00100; ExAC 0.00175.
gnomAD v4.1: 2,501 of 1,578,222 alleles (0.16%); highest among the groups gnomAD compares: Non-Finnish European, 0.2%; 4 homozygotes.

Submissions (5):

CeGaT Center for Human Genetics Tuebingen
Classification: Likely benign. Last evaluated: 2026-03-01. Review status: criteria provided, single submitter. Criteria: CeGaT Center For Human Genetics Tuebingen Variant Classification Criteria Version 2. Collection method: clinical testing. Allele origin: germline. Affected: yes. Observed: 1 variant allele.
Comment: TNFRSF4: BP4, BS1

Labcorp Genetics (formerly Invitae), Labcorp
Classification: Likely benign for Combined immunodeficiency due to OX40 deficiency. Last evaluated: 2026-01-26. Review status: criteria provided, single submitter. Criteria: Invitae Variant Classification Sherloc (09022015). Collection method: clinical testing. Allele origin: germline.

Blueprint Genetics
Classification: Likely benign. Last evaluated: 2024-10-22. Review status: criteria provided, single submitter. Criteria: ACMG Guidelines, 2015. Collection method: clinical testing. Allele origin: germline.

Clinical Genetics DNA and cytogenetics Diagnostics Lab, Erasmus MC, Erasmus Medical Center
Classification: Likely benign. Review status: no assertion criteria provided. Collection method: clinical testing. Allele origin: germline. Affected: yes. Study: VKGL Data-share Consensus. Not counted in ClinVar's aggregate classification.

Genome Diagnostics Laboratory, University Medical Center Utrecht
Classification: Likely benign. Review status: no assertion criteria provided. Collection method: clinical testing. Allele origin: germline. Affected: yes. Study: VKGL Data-share Consensus. Not counted in ClinVar's aggregate classification.